The following is an entry in ClinVar:

ClinVar aggregate classification (germline): Uncertain significance (1 of 4 stars; one submission).

Conditions:
Familial thoracic aortic aneurysm and aortic dissection (TAAD). Also called: Thoracic aortic aneurysms and dissections. Identifiers: Orphanet 91387, MedGen C4707243, MONDO:0019625.

Submission:

Color Diagnostics, LLC DBA Color Health
Classification: Uncertain significance for Familial thoracic aortic aneurysm and aortic dissection. Last evaluated: 2019-08-20. Review status: criteria provided, single submitter. Criteria: ACMG Guidelines, 2015. Collection method: clinical testing. Allele origin: germline.
Comment: This variant deletes 11 nucleotides in exon 5 of the TGFBR1 gene, creating a premature translation stop signal. This variant is expected to result in an absent or non-functional protein product. Splice site prediction tools suggest that this variant may not impact RNA splicing. To our knowledge, functional studies have not been performed for this variant. This variant has not been reported in individuals affected with cardiovascular disorders in the literature. This variant has not been identified in the general population by the Genome Aggregation Database (gnomAD). Clinical significance of loss-of-function TGFBR1 truncation variants in cardiovascular disorders is not clearly established. The available evidence is insufficient to determine the role of this variant in disease conclusively. Therefore, this variant is classified as a Variant of Uncertain Significance.

NM_004612.4(TGFBR1):c.831_841del (p.Trp277_Asp281delinsTer)

Gene: TGFBR1 (transforming growth factor beta receptor 1; plus strand). Cytogenetic location: 9q22.33.
Variant type: Deletion.
Coding change: c.831_841del on transcript NM_004612.4 (MANE Select); coding-DNA positions 831 to 841, 11 bases deleted (GTTGGTGTCAG).
Protein change: p.Trp277_Asp281delinsTer.
Molecular consequence: nonsense.
Genome position (GRCh38, 1-based): chr9:99,142,561-99,142,571, GTTGGTGTCAG deleted; deleting any 11 consecutive bases within chr9:99,142,560-99,142,571 gives the same sequence; the c. name uses the placement nearest the transcript's 3' end. VCF-style (leftmost placement, unchanged base first): chr9-99142559-TGGTTGGTGTCA-T. GRCh37 (hg19) VCF-style: chr9-101904841-TGGTTGGTGTCA-T.
Other names: c.600_610del, p.Trp200_Asp204delinsTer (NM_001130916.3); c.843_853del, p.Trp281_Asp285delinsTer (NM_001306210.2).
Identifiers: ClinVar variation 918478 (VCV000918478.3), dbSNP rs1827647231, ClinGen allele CA1139661071.